The following is an entry in ClinVar:

NM_020928.2(ZSWIM6):c.667C>T (p.Leu223=)

Gene: ZSWIM6 (zinc finger SWIM-type containing 6; plus strand). Cytogenetic location: 5q12.1.
Variant type: single nucleotide variant.
Coding change: c.667C>T on transcript NM_020928.2 (MANE Select); coding-DNA position 667, C replaced by T.
Protein change: p.Leu223=; no amino-acid change (leucine 223 retained).
Molecular consequence: synonymous variant.
Genome position (GRCh38, 1-based): chr5:61,332,939, C>T. VCF-style: chr5-61332939-C-T. GRCh37 (hg19) VCF-style: chr5-60628766-C-T.
Identifiers: ClinVar variation 3041360 (VCV003041360.3), dbSNP rs1236492933, ClinGen allele CA444540165.
Genomic context (GRCh38, chr5:61,332,939, plus strand): 5'-ACGCGGCTGCCTTTCCGCCGGGGCATCGCGCTGTTGGAAAGCGGCTGCGTAGACAACGTC[C>T]TGCAAGTCGGTGAGTCACGGGGCAGCCGCGAGCCGTCTGTCCGTCCGTCAGTCCCTGGGT-3'
Protein context (NP_065979.1, residues 213-233): LLESGCVDNV[Leu223=]QVGFHLSGTV

ClinVar aggregate classification (germline): Likely benign. Review status: criteria provided, single submitter (1 of 4 stars). 2 submissions from 2 submitters: Likely benign (1). 1 of the submissions does not count toward it. Last evaluated 2024-11-05.

Conditions:
ZSWIM6-related disorder. Also called: ZSWIM6-related condition.

Allele frequency attached by ClinVar (database versions not stated): gnomAD exomes 0.00004; gnomAD 0.00001; TOPMed 0.00003.
gnomAD v4.1: 50 of 1,347,004 alleles (0.0037%); highest among the groups gnomAD compares: Middle Eastern, 0.024%; no homozygotes.

Submissions (2):

Blueprint Genetics
Classification: Likely benign. Last evaluated: 2024-11-05. Review status: criteria provided, single submitter. Criteria: ACMG Guidelines, 2015. Collection method: clinical testing. Allele origin: germline.

PreventionGenetics, part of Exact Sciences
Classification: Likely benign for ZSWIM6-related condition. Last evaluated: 2019-05-17. Review status: no assertion criteria provided. Collection method: clinical testing. Allele origin: germline. Not counted in ClinVar's aggregate classification.
Comment: This variant is classified as likely benign based on ACMG/AMP sequence variant interpretation guidelines (Richards et al. 2015 PMID: 25741868, with internal and published modifications).